The following is an entry in ClinVar:

NM_000059.4(BRCA2):c.7561del (p.Ile2521fs)

Gene: BRCA2 (BRCA2 DNA repair associated; plus strand). Cytogenetic location: 13q13.1.
Variant type: Deletion.
Coding change: c.7561del on transcript NM_000059.4 (MANE Select); coding-DNA position 7561, one base deleted (A; older notation c.7561delA).
Protein change: p.Ile2521fs; shifts the reading frame from isoleucine 2521.
Molecular consequence: frameshift variant.
Genome position (GRCh38, 1-based): chr13:32,356,553, A deleted; the last of 2 consecutive A bases (chr13:32,356,552-32,356,553); deleting either gives the same sequence. VCF-style (leftmost placement, unchanged base first): chr13-32356551-GA-G. GRCh37 (hg19) VCF-style: chr13-32930688-GA-G.
Other names: 7789delA; c.7561delA (NM_000059.3); short protein forms I2521fs.
Identifiers: ClinVar variation 267021 (VCV000267021.6), dbSNP rs886040717, ClinGen allele CA10589438.

ClinVar aggregate classification (germline): Pathogenic. Review status: reviewed by expert panel (3 of 4 stars). 2 submissions from 2 submitters: Pathogenic (1). 1 of the submissions does not count toward it. Last evaluated 2016-10-18.

Conditions:
Breast-ovarian cancer, familial, susceptibility to, 2 (BROVCA2). Also called: BRCA2 Hereditary Breast and Ovarian Cancer. Identifiers: Orphanet 145, MedGen C2675520, MONDO:0012933, OMIM 612555. Disease mechanism: loss of function.
Hereditary cancer-predisposing syndrome. Also called: Hereditary neoplastic syndrome; Neoplastic Syndromes, Hereditary; Tumor predisposition; Hereditary Cancer Syndrome. Identifiers: Orphanet 140162, MedGen C0027672, MeSH D009386, MONDO:0015356.

Submissions (2):

Evidence-based Network for the Interpretation of Germline Mutant Alleles (ENIGMA)
Classification: Pathogenic for Breast-ovarian cancer, familial, susceptibility to, 2. Last evaluated: 2016-10-18. Review status: reviewed by expert panel. Criteria: ENIGMA BRCA1/2 Classification Criteria (2015). Collection method: curation. Allele origin: germline.
Comment: Variant allele predicted to encode a truncated non-functional protein.

Ambry Genetics
Classification: Pathogenic for Hereditary cancer-predisposing syndrome. Last evaluated: 2025-07-29. Review status: criteria provided, single submitter. Criteria: Ambry Variant Classification Scheme 2023. Collection method: clinical testing. Allele origin: germline. Not counted in ClinVar's aggregate classification.
Comment: The c.7561delA pathogenic mutation, located in coding exon 14 of the BRCA2 gene, results from a deletion of one nucleotide at nucleotide position 7561, causing a translational frameshift with a predicted alternate stop codon (p.I2521Sfs*3). This variant is considered to be rare based on population cohorts in the Genome Aggregation Database (gnomAD). This alteration is expected to result in loss of function by premature protein truncation or nonsense-mediated mRNA decay. As such, this alteration is interpreted as a disease-causing mutation.